The following is an entry in ClinVar:

ClinVar aggregate classification (germline): Uncertain significance (1 of 4 stars; one submission).

Conditions:
Inborn genetic diseases. Identifiers: MedGen C0950123, MeSH D030342.

Submission:

Ambry Genetics
Classification: Uncertain significance for Inborn genetic diseases. Last evaluated: 2025-05-06. Review status: criteria provided, single submitter. Criteria: Ambry Variant Classification Scheme 2023. Collection method: clinical testing. Allele origin: germline.
Comment: The p.R198P variant (also known as c.593G>C), located in coding exon 1 of the SMAD6 gene, results from a G to C substitution at nucleotide position 593. The arginine at codon 198 is replaced by proline, an amino acid with dissimilar properties. This amino acid position is conserved. In addition, the in silico prediction for this alteration is inconclusive. Based on the available evidence, the clinical significance of this variant remains unclear.

NM_005585.5(SMAD6):c.593G>C (p.Arg198Pro)

Gene: SMAD6 (SMAD family member 6; plus strand). Cytogenetic location: 15q22.31.
Variant type: single nucleotide variant.
Coding change: c.593G>C on transcript NM_005585.5 (MANE Select); coding-DNA position 593, G replaced by C.
Protein change: p.Arg198Pro; replaces arginine 198 with proline.
Molecular consequence: missense variant. On other transcripts: non-coding transcript variant (1).
Genome position (GRCh38, 1-based): chr15:66,703,851, G>C. VCF-style: chr15-66703851-G-C. GRCh37 (hg19) VCF-style: chr15-66996189-G-C.
Other names: short protein forms R198P.
Identifiers: ClinVar variation 3958361 (VCV003958361.1).